The following is an entry in ClinVar:

NM_000535.7(PMS2):c.2273A>T (p.Asn758Ile)

Gene: PMS2 (PMS1 homolog 2, mismatch repair system component; minus strand). Cytogenetic location: 7p22.1.
Variant type: single nucleotide variant.
Coding change: c.2273A>T on transcript NM_000535.7 (MANE Select); coding-DNA position 2273, A replaced by T.
Protein change: p.Asn758Ile; replaces asparagine 758 with isoleucine.
Molecular consequence: missense variant. On other transcripts: non-coding transcript variant (1).
Genome position (GRCh38, 1-based): chr7:5,978,598, T>A on the plus strand (A>T on the coding strand, the complement: PMS2 is on the minus strand). VCF-style: chr7-5978598-T-A. GRCh37 (hg19) VCF-style: chr7-6018229-T-A.
Other names: c.1868A>T, p.Asn623Ile (NM_001018040.1, NM_001322003.2, NM_001322004.2 and 15 more transcripts); c.2117A>T, p.Asn706Ile (NM_001322006.2, NM_001406870.1); c.1955A>T, p.Asn652Ile (NM_001322007.2, NM_001322008.2, NM_001406876.1 and 1 more transcripts); c.1712A>T, p.Asn571Ile (NM_001322010.2, NM_001406906.1, NM_001406907.1); c.1340A>T, p.Asn447Ile (NM_001322011.2, NM_001322012.2); c.1700A>T, p.Asn567Ile (NM_001322013.2, NM_001406908.1, NM_001406909.1); c.2273A>T, p.Asn758Ile (NM_001322014.2); c.1964A>T, p.Asn655Ile (NM_001322015.2, NM_001406875.1, NM_001406877.1 and 5 more transcripts); and 14 more; short protein forms N501I, N603I, N636I, N650I, N655I, N571I, N702I, N820I.
Identifiers: ClinVar variation 1788816 (VCV001788816.2), dbSNP rs2128681889, ClinGen allele CA366736403.

ClinVar aggregate classification (germline): Uncertain significance (1 of 4 stars; one submission).

Conditions:
Hereditary cancer-predisposing syndrome. Also called: Hereditary Cancer Syndrome; Hereditary neoplastic syndrome; Tumor predisposition; Neoplastic Syndromes, Hereditary. Identifiers: Orphanet 140162, MedGen C0027672, MeSH D009386, MONDO:0015356.

Submission:

Ambry Genetics
Classification: Uncertain significance for Hereditary cancer-predisposing syndrome. Last evaluated: 2022-05-07. Review status: criteria provided, single submitter. Criteria: Ambry Variant Classification Scheme 2023. Collection method: clinical testing. Allele origin: germline.
Comment: The p.N758I variant (also known as c.2273A>T), located in coding exon 13 of the PMS2 gene, results from an A to T substitution at nucleotide position 2273. The asparagine at codon 758 is replaced by isoleucine, an amino acid with dissimilar properties. This amino acid position is conserved. In addition, this alteration is predicted to be tolerated by in silico analysis. Since supporting evidence is limited at this time, the clinical significance of this alteration remains unclear.